The following is an entry in ClinVar:

ClinVar aggregate classification (germline): Uncertain significance. Review status: criteria provided, multiple submitters, no conflicts (2 of 4 stars). 3 submissions from 3 submitters: Uncertain significance (3). Last evaluated 2024-12-30.

Conditions:
Inborn genetic diseases. Identifiers: MedGen C0950123, MeSH D030342.
Retinitis pigmentosa 59 (RP59). Identifiers: Orphanet 791, MedGen C3151227, MONDO:0013468, OMIM 613861.

Allele frequency attached by ClinVar (database versions not stated): gnomAD exomes below 0.00001 and 0.00001; gnomAD 0.00001; TOPMed 0.00003.
gnomAD v4.1: 8 of 1,614,060 alleles (0.0005%); highest among the groups gnomAD compares: African/African-American, 0.008%; no homozygotes.

Submissions (3):

Labcorp Genetics (formerly Invitae), Labcorp
Classification: Uncertain significance for Retinitis pigmentosa 59. Last evaluated: 2024-12-30. Review status: criteria provided, single submitter. Criteria: Invitae Variant Classification Sherloc (09022015). Collection method: clinical testing. Allele origin: germline.
Comment: This sequence change replaces arginine, which is basic and polar, with cysteine, which is neutral and slightly polar, at codon 299 of the DHDDS protein (p.Arg299Cys). This variant is present in population databases (no rsID available, gnomAD 0.007%). This variant has not been reported in the literature in individuals affected with DHDDS-related conditions. ClinVar contains an entry for this variant (Variation ID: 846672). An algorithm developed to predict the effect of missense changes on protein structure and function outputs the following: PolyPhen-2: "Benign". The cysteine amino acid residue is found in multiple mammalian species, which suggests that this missense change does not adversely affect protein function. In summary, the available evidence is currently insufficient to determine the role of this variant in disease. Therefore, it has been classified as a Variant of Uncertain Significance.

Ambry Genetics
Classification: Uncertain significance for Inborn genetic diseases. Last evaluated: 2022-11-21. Review status: criteria provided, single submitter. Criteria: Ambry Variant Classification Scheme 2023. Collection method: clinical testing. Allele origin: germline.

Blueprint Genetics
Classification: Uncertain significance. Last evaluated: 2019-06-25. Review status: criteria provided, single submitter. Criteria: ACMG Guidelines, 2015. Collection method: clinical testing. Allele origin: germline.

NM_205861.3(DHDDS):c.892C>T (p.Arg298Cys)

Gene: DHDDS (dehydrodolichyl diphosphate synthase subunit; plus strand). Cytogenetic location: 1p36.11.
Variant type: single nucleotide variant.
Coding change: c.892C>T on transcript NM_205861.3 (MANE Select); coding-DNA position 892, C replaced by T.
Protein change: p.Arg298Cys; replaces arginine 298 with cysteine.
Molecular consequence: missense variant.
Genome position (GRCh38, 1-based): chr1:26,469,021, C>T. VCF-style: chr1-26469021-C-T. GRCh37 (hg19) VCF-style: chr1-26795512-C-T.
Other names: c.613C>T, p.Arg205Cys (NM_001319959.2); c.895C>T, p.Arg299Cys (NM_024887.4); c.790C>T, p.Arg264Cys (NM_001243564.2); c.775C>T, p.Arg259Cys (NM_001243565.2); short protein forms R264C, R205C, R299C, R259C, R298C.
Identifiers: ClinVar variation 846672 (VCV000846672.10), dbSNP rs919843886, ClinGen allele CA19777138.